The following is an entry in ClinVar:

ClinVar aggregate classification (germline): Uncertain significance. Review status: criteria provided, multiple submitters, no conflicts (2 of 4 stars). 3 submissions from 3 submitters: Uncertain significance (3). Last evaluated 2026-02-20.

Conditions:
Inborn genetic diseases. Identifiers: MedGen C0950123, MeSH D030342.
Progressive encephalopathy with leukodystrophy due to DECR deficiency. Identifiers: Orphanet 431361, MedGen C1857252, MONDO:0014464, OMIM 616034.

Allele frequency attached by ClinVar (database versions not stated): ExAC 0.00007; TOPMed 0.00031; 1000 Genomes Project 30x 0.00047; gnomAD exomes 0.00004 and 0.00009; gnomAD 0.00030 and 0.00031; ESP Exome Variant Server 0.00031; 1000 Genomes Project 0.00060.
gnomAD v4.1: 105 of 1,613,868 alleles (0.0065%); highest among the groups gnomAD compares: African/African-American, 0.12%; no homozygotes.

Submissions (3):

GeneDx
Classification: Uncertain significance. Last evaluated: 2026-02-20. Review status: criteria provided, single submitter. Criteria: GeneDx Variant Classification Process June 2021. Collection method: clinical testing. Allele origin: germline.
Comment: In silico analysis suggests that this missense variant does not alter protein structure/function; In silico analysis is inconclusive as to whether the variant alters gene splicing. In the absence of RNA/functional studies, the actual effect of this sequence change is unknown.; Has not been previously published as pathogenic or benign to our knowledge

Ambry Genetics
Classification: Uncertain significance for Inborn genetic diseases. Last evaluated: 2025-08-20. Review status: criteria provided, single submitter. Criteria: Ambry Variant Classification Scheme 2023. Collection method: clinical testing. Allele origin: germline.

Labcorp Genetics (formerly Invitae), Labcorp
Classification: Uncertain significance for Progressive encephalopathy with leukodystrophy due to DECR deficiency. Last evaluated: 2025-02-10. Review status: criteria provided, single submitter. Criteria: Invitae Variant Classification Sherloc (09022015). Collection method: clinical testing. Allele origin: germline.
Comment: This sequence change replaces arginine, which is basic and polar, with glutamine, which is neutral and polar, at codon 197 of the NADK2 protein (p.Arg197Gln). This variant is present in population databases (rs199828895, gnomAD 0.1%), and has an allele count higher than expected for a pathogenic variant. This variant has not been reported in the literature in individuals affected with NADK2-related conditions. ClinVar contains an entry for this variant (Variation ID: 939499). Invitae Evidence Modeling of protein sequence and biophysical properties (such as structural, functional, and spatial information, amino acid conservation, physicochemical variation, residue mobility, and thermodynamic stability) indicates that this missense variant is not expected to disrupt NADK2 protein function with a negative predictive value of 80%. Algorithms developed to predict the effect of sequence changes on RNA splicing suggest that this variant may disrupt the consensus splice site. In summary, the available evidence is currently insufficient to determine the role of this variant in disease. Therefore, it has been classified as a Variant of Uncertain Significance.

NM_001085411.3(NADK2):c.590G>A (p.Arg197Gln)

Gene: NADK2 (NAD kinase 2, mitochondrial; minus strand). Cytogenetic location: 5p13.2.
Variant type: single nucleotide variant.
Coding change: c.590G>A on transcript NM_001085411.3 (MANE Select); coding-DNA position 590, G replaced by A.
Protein change: p.Arg197Gln; replaces arginine 197 with glutamine.
Molecular consequence: missense variant.
Genome position (GRCh38, 1-based): chr5:36,219,650, C>T on the plus strand (G>A on the coding strand, the complement: NADK2 is on the minus strand). VCF-style: chr5-36219650-C-T. GRCh37 (hg19) VCF-style: chr5-36219752-C-T.
Other names: c.101G>A, p.Arg34Gln (NM_001287340.2, NM_001287341.2, NM_153013.5); c.590G>A (NM_001085411.1); short protein forms R197Q, R34Q.
Identifiers: ClinVar variation 939499 (VCV000939499.12), dbSNP rs199828895, ClinGen allele CA3234676.